The following continues an entry in ClinVar:

NM_012452.3(TNFRSF13B):c.310T>C (p.Cys104Arg)

Gene: TNFRSF13B. ClinVar aggregate classification (germline): Conflicting classifications of pathogenicity; risk factor. Pathogenic (21); Likely pathogenic (14); Uncertain significance (3).

Submissions 9 to 18 of 55:

Labcorp Genetics (formerly Invitae), Labcorp
Classification: Likely pathogenic for Immunodeficiency, common variable, 2. Last evaluated: 2026-02-04. Review status: criteria provided, single submitter. Criteria: Invitae Variant Classification Sherloc (09022015). Collection method: clinical testing. Allele origin: germline.
Comment: This sequence change replaces cysteine, which is neutral and slightly polar, with arginine, which is basic and polar, at codon 104 of the TNFRSF13B protein (p.Cys104Arg). This variant is present in population databases (rs34557412, gnomAD 0.5%), and has an allele count higher than expected for a pathogenic variant. This missense change has been observed in individual(s) with common variable immunodeficiency (CVID) (PMID: 16007087, 17392797, 19779048, 22697072, 24051380, 27123465). It has also been observed to segregate with disease in related individuals. ClinVar contains an entry for this variant (Variation ID: 5302). Invitae Evidence Modeling of protein sequence and biophysical properties (such as structural, functional, and spatial information, amino acid conservation, physicochemical variation, residue mobility, and thermodynamic stability) indicates that this missense variant is expected to disrupt TNFRSF13B protein function with a positive predictive value of 95%. Experimental studies have shown that this missense change affects TNFRSF13B function (PMID: 16007087, 20889194, 21419480, 21458042, 23237420, 24051380). In summary, the currently available evidence indicates that the variant is pathogenic, but additional data are needed to prove that conclusively. Therefore, this variant has been classified as Likely Pathogenic.

3billion
Classification: Pathogenic for Immunodeficiency, common variable, 2. Last evaluated: 2025-11-30. Review status: criteria provided, single submitter. Criteria: ACMG Guidelines, 2015. Collection method: clinical testing. Allele origin: germline. Affected: yes.
Comment: The variant is observed in the gnomAD v4.1.0 dataset (total allele frequency: 0.544%). Predicted Consequence/Location: Missense variant. The majority of the known disease-causing variants of this gene are variants expected to result in premature termination of the protein. Functional studies provide strong evidence of the variant having a damaging effect on the gene or gene product (PMID: 20889194, 21419480). In silico tool prediction suggests damaging effect of the variant on gene or gene product [REVEL: 0.92 (>=0.6, sensitivity 0.68 and specificity 0.92)]. The same nucleotide change resulting in the same amino acid change has been previously reported as pathogenic/likely pathogenic with strong evidence (ClinVar ID: VCV000005302 /PMID: 16007087 /3billion dataset). A different missense change at the same codon (p.Cys104Tyr) has been reported as pathogenic/likely pathogenic with strong evidence (ClinVar ID: VCV000645207 /PMID: 18981294). Therefore, this variant is classified as Pathogenic according to the recommendation of ACMG/AMP guideline.

ARUP Laboratories, Molecular Genetics and Genomics, ARUP Laboratories
Classification: Pathogenic. Last evaluated: 2025-06-23. Review status: criteria provided, single submitter. Criteria: ARUP Molecular Germline Variant Investigation Process 2024. Collection method: clinical testing. Allele origin: germline.
Comment: The TNFRSF13B c.310T>C; p.Cys104Arg variant (rs34557412, ClinVar Variation ID: 5302) has been reported in patients diagnosed with common variable immunodeficiency, and the association with the disease was found to be statistically significant (odds ratio 4.16 (1.98-8.74); Pan-Hammarstrom 2007). Additionally, functional studies show that this variant disrupts protein signaling (Martinez-Gallo 2013, Salzer 2005). However, this variant does not always segregate with disease in families (Poodt 2009, Koopmans 2013) and the variant is often observed in clinically asymptomatic first-degree relatives and healthy controls (Barroeta Seijas 2012, Martinez-Pomar 2009). This variant is found in the general population with an overall allele frequency of 0.35% (983/282890 alleles, including 4 homozygotes) in the Genome Aggregation Database (v2.1.1). Based on available information, this variant is considered to be a pathogenic CVID-associated variant with variable penetrance, that may act in co-existence with other genetic and/or environmental factors (Koopmans 2013). References: Barroeta Seijas AB et al. The impact of TACI mutations: from hypogammaglobulinemia in infancy to autoimmunity in adulthood. Int J Immunopathol Pharmacol. 2012 Apr-Jun;25(2):407-14. PMID: 22697072. Koopmans et al. Clinical variability of family members with the C104R mutation in transmembrane activator and calcium modulator and cyclophilin ligand interactor (TACI). J Clin Immunol. 2013 33(1):68-73. PMID: 22983507. MartÃ­nez-Pomar N et al. Role of TNFRSF13B variants in patients with common variable immunodeficiency. Blood. 2009 Sep 24;114(13):2846-8. PMID: 19779048. Martinez-Gallo et al. TACI mutations and impaired B-cell function in subjects with CVID and healthy heterozygotes. J Allergy Clin Immunol. 2013 131(2):468-476. PMID: 23237420. Pan-Hammarstrom et al. Reexamining the role of TACI coding variants in common variable immunodeficiency and selective IgA deficiency. Nat Genet. 2007 39(4):429-30. PMID: 17392797. Poodt AE et al. TACI mutations and disease susceptibility in patients with common variable immunodeficiency. Clin Exp Immunol. 2009 Apr;156(1):35-9. PMID: 19210517. Salzer U et al. Mutations in TNFRSF13B encoding TACI are associated with common variable immunodeficiency in humans. Nat Genet. 2005 Aug;37(8):820-8. PMID: 16007087.

Variantyx, Inc.
Classification: Pathogenic for Immunodeficiency, common variable, 2. Last evaluated: 2025-03-27. Review status: criteria provided, single submitter. Criteria: Variantyx Assertion Criteria 2022. Collection method: clinical testing. Allele origin: maternal.
Comment: This is a nonsynonymous variant in the TNFRSF13B gene (OMIM: 604907). Pathogenic variants in this gene have been associated with autosomal dominant or autosomal recessive common variable immunodeficiency 2. This variant has been reported in the heterozygous, homozygous, or compound heterozygous state in many individuals with immunodeficiency, as well as in healthy individuals (PMID: 16007087, 17392797, 22697072, 27123465, 24051380, 19779048, 22884984). This variant has been observed to segregate with disease in multiple families, although with reduced penetrance (PMID: 16007087, 19779048, 22983507, 22697072, 22884984, 23237420). In general, this variant has been found to be enriched in the clinical population, with relative risks ranging from 2.7 to 5.6 (PMID: 34975878, 18981294, 27123465) (PS4). Experimental studies have shown that this variant alters TNFRSF13B protein function (PMID:16007087, 21419480, 23237420, 20889194, 21458042) (PS3). An alternate amino acid change at this position (p.Cys104Tyr) has been previously reported in affected individuals (PMID: 22884984) (PM5). Multiple computational algorithms predict a deleterious effect for this variant (REVEL score: 0.919) (PP3_Moderate). This variant has a 0.6695% maximum allele frequency in non-founder control populations. Based on the current evidence, this variant is classified as pathogenic with low penetrance for autosomal dominant or autosomal recessive common variable immunodeficiency 2.

Revvity Omics, Revvity
Classification: Pathogenic. Last evaluated: 2025-03-19. Review status: criteria provided, single submitter. Criteria: ACMG Guidelines, 2015. Collection method: clinical testing. Allele origin: germline.

Center for Genomic Medicine, Rigshospitalet, Copenhagen University Hospital
Classification: Likely pathogenic. Last evaluated: 2025-03-04. Review status: criteria provided, single submitter. Criteria: ACMG Guidelines, 2015. Collection method: clinical testing. Allele origin: germline.

First Genomix Gene Laboratory, Genetic Diagnostics Department
Classification: Pathogenic for Immunodeficiency, common variable, 2; Immunoglobulin A deficiency 2. Last evaluated: 2025-01-27. Review status: criteria provided, single submitter. Criteria: ACMG Guidelines, 2015. Collection method: clinical testing. Allele origin: germline. Inheritance: Autosomal recessive inheritance. Affected: no. Observed: 1 variant allele.

Blueprint Genetics
Classification: Uncertain significance. Last evaluated: 2024-11-19. Review status: criteria provided, single submitter. Criteria: ACMG Guidelines, 2015. Collection method: clinical testing. Allele origin: germline.

Clinical Genomics Laboratory, Washington University in St. Louis
Classification: Pathogenic for Immunodeficiency, common variable, 2. Last evaluated: 2024-10-31. Review status: criteria provided, single submitter. Criteria: ACMG Guidelines, 2015. Collection method: clinical testing. Allele origin: germline. Affected: yes.
Comment: The TNFRSF13B c.310T>C (p.Cys104Arg) variant has been reported in individuals with CVID in the heterozygous, homozygous, and compound heterozygous state with other pathogenic TNFRSF13B variants (Castigli E et al., PMID: 16007086; Dong X et al., PMID: 20156508; Freiberger T et al., PMID: 22884984; Martinez-Gallo M et al., PMID: 23237420; Pan-Hammarstrom Q et al., PMID: 17392797; Romberg N et al., PMID: 24051380; Salzer U et al., PMID: 16007087). This variant has been reported in the ClinVar database as a germline variant with discrepant classifications: pathogenic by 15 submitters, likely pathogenic by 19 submitters, variant of uncertain significance by 5 submitters, and likely benign by 2 submitters. The highest population minor allele frequency in the population database genome aggregation database (v.2.1.1) is 0.54% in the European (non-Finnish) population, including three homozygotes. Case control studies demonstrate the variant is enriched in affected individuals (OR 5.6, CI 2.99-10.51; Pan-Hammarstrom Q et al., PMID: 17392797). Computational predictors indicate that the variant is damaging, evidence that correlates with impact to TNFRSF13B function. In vitro functional studies and murine models demonstrate that the variant results in impaired downstream signaling (Bacchelli C et al., PMID: 21458042; Lee JJ et al., PMID: 20889194; Martinez-Gallo M et al., PMID: 23237420; Salzer U et al., PMID: 18981294). Another variant in the same codon, c.311G>A (p.Cys104Tyr), has been reported in affected individuals and is considered pathogenic (Baxter SK et al., PMID: 33864888; Freiberger T et al., PMID: 22884984; Grossi A et al., PMID: 34573280; Pulvirenti F et al., PMID: 27123465; Salzer U et al., PMID: 18981294; ClinVar Variation ID: 645207). Based on available information and the ACMG/AMP guidelines for variant interpretation (Richards S et al., PMID: 25741868), this variant is classified as pathogenic.

Genomic Medicine Center of Excellence, King Faisal Specialist Hospital and Research Centre
Classification: Likely pathogenic for Immunodeficiency, common variable, 2. Last evaluated: 2024-09-22. Review status: criteria provided, single submitter. Criteria: ACMG Guidelines, 2015. Collection method: clinical testing. Allele origin: germline.